The following is an entry in ClinVar:

ClinVar aggregate classification (germline): Uncertain significance (1 of 4 stars; one submission).

Conditions:
Facioscapulohumeral muscular dystrophy 2 (FSHD2). Also called: MUSCULAR DYSTROPHY, FACIOSCAPULOHUMERAL, TYPE 1B; FACIOSCAPULOHUMERAL MUSCULAR DYSTROPHY 2, DIGENIC; FSHD2, DIGENIC. Identifiers: Orphanet 269, MedGen C1834671, MONDO:0008031, OMIM 158901.

Allele frequency attached by ClinVar (database versions not stated): TOPMed below 0.00001; gnomAD exomes 0.00001.
gnomAD v4.1: 5 of 1,603,872 alleles (0.00031%); highest among the groups gnomAD compares: Admixed American, 0.0086%; no homozygotes.

Submission:

Labcorp Genetics (formerly Invitae), Labcorp
Classification: Uncertain significance for Facioscapulohumeral muscular dystrophy 2. Last evaluated: 2022-02-19. Review status: criteria provided, single submitter. Criteria: Invitae Variant Classification Sherloc (09022015). Collection method: clinical testing. Allele origin: germline.
Comment: Algorithms developed to predict the effect of missense changes on protein structure and function are either unavailable or do not agree on the potential impact of this missense change (SIFT: "Deleterious"; PolyPhen-2: "Benign"; Align-GVGD: "Class C0"). This sequence change replaces threonine, which is neutral and polar, with alanine, which is neutral and non-polar, at codon 1711 of the SMCHD1 protein (p.Thr1711Ala). This variant is present in population databases (no rsID available, gnomAD 0.01%). This variant has not been reported in the literature in individuals affected with SMCHD1-related conditions. In summary, the available evidence is currently insufficient to determine the role of this variant in disease. Therefore, it has been classified as a Variant of Uncertain Significance.

NM_015295.3(SMCHD1):c.5131A>G (p.Thr1711Ala)

Gene: SMCHD1 (structural maintenance of chromosomes flexible hinge domain containing 1; plus strand). Cytogenetic location: 18p11.32.
Variant type: single nucleotide variant.
Coding change: c.5131A>G on transcript NM_015295.3 (MANE Select); coding-DNA position 5131, A replaced by G.
Protein change: p.Thr1711Ala; replaces threonine 1711 with alanine.
Molecular consequence: missense variant.
Genome position (GRCh38, 1-based): chr18:2,772,328, A>G. VCF-style: chr18-2772328-A-G. GRCh37 (hg19) VCF-style: chr18-2772326-A-G.
Other names: short protein forms T1711A.
Identifiers: ClinVar variation 2194064 (VCV002194064.4), dbSNP rs1326290539, ClinGen allele CA401683616.
Genomic context (GRCh38, chr18:2,772,328, plus strand): 5'-CTTCTGAAAAGAAAGCTATCAGAACAAGAAGAACTGAAGAAAAAACCTAGAAGATCGTGT[A>G]CTCTTCCAAACTATACTAAAGGCAGTGGAGATGTTTTGGGAAAGGTTTGTGTTTATTAAG-3'
Protein context (NP_056110.2, residues 1701-1721): ELKKKPRRSC[Thr1711Ala]LPNYTKGSGD